The following is an entry in ClinVar:

NM_001367624.2(ZNF469):c.629C>A (p.Pro210His)

Gene: ZNF469 (zinc finger protein 469; plus strand). Cytogenetic location: 16q24.2.
Variant type: single nucleotide variant.
Coding change: c.629C>A on transcript NM_001367624.2 (MANE Select); coding-DNA position 629, C replaced by A.
Protein change: p.Pro210His; replaces proline 210 with histidine.
Molecular consequence: missense variant.
Genome position (GRCh38, 1-based): chr16:88,428,099, C>A. VCF-style: chr16-88428099-C-A. GRCh37 (hg19) VCF-style: chr16-88494507-C-A.
Other names: NM_001127464.1:c.629C>A; short protein forms P210H.
Identifiers: ClinVar variation 3232840 (VCV003232840.1), dbSNP rs1302052402, ClinGen allele CA397061242.
Genomic context (GRCh38, chr16:88,428,099, plus strand): 5'-GCTTTACCTCCACCAACTATACCTCACCAAGCGCCACCCCCAGGCCCCCAGCCCCGGGGC[C>A]CCCCCAGAGCAGGGGCACCAGCCCCCTCCAGCCCGGTTCCTATCCCGAATACCAGGCCAG-3'
Protein context (NP_001354553.1, residues 200-220): SATPRPPAPG[Pro210His]PQSRGTSPLQ

ClinVar aggregate classification (germline): Uncertain significance (1 of 4 stars; one submission).

Conditions:
Cardiovascular phenotype. Identifiers: MedGen CN230736.

Allele frequency attached by ClinVar (database versions not stated): TOPMed below 0.00001.
gnomAD v4.1: 6 of 1,549,742 alleles (0.00039%); highest among the groups gnomAD compares: Non-Finnish European, 0.00052%; no homozygotes.

Submission:

Ambry Genetics
Classification: Uncertain significance for Cardiovascular phenotype. Last evaluated: 2023-11-09. Review status: criteria provided, single submitter. Criteria: Ambry Variant Classification Scheme 2023. Collection method: clinical testing. Allele origin: germline.
Comment: The p.P210H variant (also known as c.629C>A), located in coding exon 1 of the ZNF469 gene, results from a C to A substitution at nucleotide position 629. The proline at codon 210 is replaced by histidine, an amino acid with similar properties. This amino acid position is conserved. In addition, this alteration is predicted to be tolerated by in silico analysis. Since supporting evidence is limited at this time, the clinical significance of this alteration remains unclear.